The following is an entry in ClinVar:

ClinVar aggregate classification (germline): Benign/Likely benign. Review status: criteria provided, multiple submitters, no conflicts (2 of 4 stars). 4 submissions from 4 submitters: Benign (1); Likely benign (3). Last evaluated 2025-12-31.

Conditions:
Lynch syndrome 5 (LYNCH5). Also called: Colorectal cancer, hereditary nonpolyposis, type 5; Hereditary non-polyposis colorectal cancer, type 5. Identifiers: Orphanet 144, MedGen C1833477, MONDO:0013710, OMIM 614350. Disease mechanism: loss of function.
Hereditary nonpolyposis colorectal neoplasms. Identifiers: MedGen C0009405, MeSH D003123.
Hereditary cancer-predisposing syndrome. Also called: Hereditary neoplastic syndrome; Neoplastic Syndromes, Hereditary; Tumor predisposition; Hereditary Cancer Syndrome. Identifiers: Orphanet 140162, MedGen C0027672, MeSH D009386, MONDO:0015356.

Submissions (4):

Labcorp Genetics (formerly Invitae), Labcorp
Classification: Likely benign for Hereditary nonpolyposis colorectal neoplasms. Last evaluated: 2025-12-31. Review status: criteria provided, single submitter. Criteria: Invitae Variant Classification Sherloc (09022015). Collection method: clinical testing. Allele origin: germline.

Myriad Genetics, Inc.
Classification: Benign for Lynch syndrome 5. Last evaluated: 2025-01-06. Review status: criteria provided, single submitter. Criteria: Myriad Autosomal Dominant, Autosomal Recessive and X-Linked Classification Criteria (2023). Collection method: clinical testing. Allele origin: unknown.
Comment: This variant is considered benign. This variant is a silent/synonymous amino acid change and it is not expected to impact splicing.

Ambry Genetics
Classification: Likely benign for Hereditary cancer-predisposing syndrome. Last evaluated: 2024-10-21. Review status: criteria provided, single submitter. Criteria: Ambry Variant Classification Scheme 2023. Collection method: clinical testing. Allele origin: germline.

Color Diagnostics, LLC DBA Color Health
Classification: Likely benign for Hereditary cancer-predisposing syndrome. Last evaluated: 2024-05-04. Review status: criteria provided, single submitter. Criteria: ACMG Guidelines, 2015. Collection method: clinical testing. Allele origin: germline.

NM_000179.3(MSH6):c.3252T>C (p.Asp1084=)

Gene: MSH6 (mutS homolog 6; plus strand). Cytogenetic location: 2p16.3.
Variant type: single nucleotide variant.
Coding change: c.3252T>C on transcript NM_000179.3 (MANE Select); coding-DNA position 3252, T replaced by C.
Protein change: p.Asp1084=; no amino-acid change (aspartic acid 1084 retained).
Molecular consequence: synonymous variant.
Genome position (GRCh38, 1-based): chr2:47,803,499, T>C. VCF-style: chr2-47803499-T-C. GRCh37 (hg19) VCF-style: chr2-48030638-T-C.
Other names: c.3252T>C (NM_000179.2); c.2862T>C, p.Asp954= (NM_001281492.2); c.2346T>C, p.Asp782= (NM_001281493.2, NM_001281494.2).
Identifiers: ClinVar variation 1125396 (VCV001125396.12), dbSNP rs1669742346, ClinGen allele CA426121846.
Genomic context (GRCh38, chr2:47,803,499, plus strand): 5'-TAACTATAGTCGAGGGGGTGATGGTCCTATGTGTCGCCCAGTAATTCTGTTGCCGGAAGA[T>C]ACCCCCCCCTTCTTAGAGCTTAAAGGATCACGCCATCCTTGCATTACGAAGACTTTTTTT-3'
Protein context (NP_000170.1, residues 1074-1094): MCRPVILLPE[Asp1084=]TPPFLELKGS